The following is an entry in ClinVar:

ClinVar aggregate classification (germline): Likely benign. Review status: criteria provided, multiple submitters, no conflicts (2 of 4 stars). 8 submissions from 8 submitters: Likely benign (8). Last evaluated 2026-02-01.

Conditions:
Familial thoracic aortic aneurysm and aortic dissection (TAAD). Also called: Thoracic aortic aneurysms and dissections. Identifiers: Orphanet 91387, MedGen C4707243, MONDO:0019625.
Oto-palato-digital syndrome, type II (OPD2). Also called: Otopalatodigital Syndrome Type 2 (FLNA-OPD2); OPD II SYNDROME; Otopalatodigital Syndrome, Type II; FACIOPALATOOSSEOUS SYNDROME. Identifiers: Orphanet 669, Orphanet 90652, MedGen C1844696, MONDO:0010571, OMIM 304120.
Heterotopia, periventricular, X-linked dominant (PVNH1). Also called: X-linked periventricular heterotopia; PERIVENTRICULAR NODULAR HETEROTOPIA 1; PERIVENTRICULAR NODULAR HETEROTOPIA 4; HETEROTOPIA, PERIVENTRICULAR, 1. Identifiers: Orphanet 2149, Orphanet 82004, MedGen C1848213, MONDO:0010233, OMIM 300049.
Melnick-Needles syndrome (MNS). Also called: Melnick-Needles Syndrome (FLNA-MNS); OSTEODYSPLASTY OF MELNICK AND NEEDLES; MELNICK-NEEDLES OSTEODYSPLASTY. Identifiers: Orphanet 2484, MedGen C0025237, MONDO:0010650, OMIM 309350.
Frontometaphyseal dysplasia (FMD1). Identifiers: Orphanet 1826, MedGen C0265293, MONDO:0015942.

Allele frequency attached by ClinVar (database versions not stated): gnomAD exomes 0.00002 and 0.00003; gnomAD 0.00006 and 0.00008; TOPMed 0.00010.
gnomAD v4.1: 33 of 1,208,881 alleles (0.0027%); highest among the groups gnomAD compares: African/African-American, 0.024%; no homozygotes.

Submissions (8):

Labcorp Genetics (formerly Invitae), Labcorp
Classification: Likely benign for Oto-palato-digital syndrome, type II; Heterotopia, periventricular, X-linked dominant; Frontometaphyseal dysplasia; Melnick-Needles syndrome. Last evaluated: 2026-02-01. Review status: criteria provided, single submitter. Criteria: Invitae Variant Classification Sherloc (09022015). Collection method: clinical testing. Allele origin: germline.

Molecular Diagnostic Laboratory for Inherited Cardiovascular Disease, Montreal Heart Institute
Classification: Likely benign. Last evaluated: 2025-04-09. Review status: criteria provided, single submitter. Criteria: ACMG Guidelines, 2015. Collection method: clinical testing. Allele origin: germline. Affected: no.

ARUP Laboratories, Molecular Genetics and Genomics, ARUP Laboratories
Classification: Likely benign. Last evaluated: 2023-03-13. Review status: criteria provided, single submitter. Criteria: ARUP Molecular Germline Variant Investigation Process 2024. Collection method: clinical testing. Allele origin: germline.

CeGaT Center for Human Genetics Tuebingen
Classification: Likely benign. Last evaluated: 2023-03-01. Review status: criteria provided, single submitter. Criteria: CeGaT Center For Human Genetics Tuebingen Variant Classification Criteria Version 2. Collection method: clinical testing. Allele origin: germline. Affected: yes. Observed: 1 variant allele.
Comment: FLNA: BP4, BP7, BS2

Blueprint Genetics
Classification: Likely benign. Last evaluated: 2022-08-02. Review status: criteria provided, single submitter. Criteria: ACMG Guidelines, 2015. Collection method: clinical testing. Allele origin: germline.

GeneDx
Classification: Likely benign. Last evaluated: 2020-11-24. Review status: criteria provided, single submitter. Criteria: GeneDx Variant Classification (06012015). Collection method: clinical testing. Allele origin: germline. Affected: yes.

Ambry Genetics
Classification: Likely benign for Familial thoracic aortic aneurysm and aortic dissection. Last evaluated: 2020-03-19. Review status: criteria provided, single submitter. Criteria: Ambry Variant Classification Scheme 2023. Collection method: clinical testing. Allele origin: germline.

Genetic Services Laboratory, University of Chicago
Classification: Likely benign. Last evaluated: 2017-01-17. Review status: criteria provided, single submitter. Criteria: ACMG Guidelines, 2015. Collection method: clinical testing. Allele origin: germline. Affected: no.

NM_001110556.2(FLNA):c.2571G>A (p.Thr857=)

Gene: FLNA (filamin A; minus strand). Cytogenetic location: Xq28.
Variant type: single nucleotide variant.
Coding change: c.2571G>A on transcript NM_001110556.2 (MANE Select); coding-DNA position 2571, G replaced by A.
Protein change: p.Thr857=; no amino-acid change (threonine 857 retained).
Molecular consequence: synonymous variant.
Genome position (GRCh38, 1-based): chrX:154,362,327, C>T on the plus strand (G>A on the coding strand, the complement: FLNA is on the minus strand). VCF-style: chrX-154362327-C-T. GRCh37 (hg19) VCF-style: chrX-153590695-C-T.
Other names: c.2571G>A, p.Thr857= (NM_001456.4).
Identifiers: ClinVar variation 435202 (VCV000435202.44), dbSNP rs1208353421, ClinGen allele CA519708462.